The following is an entry in ClinVar:

NM_000138.5(FBN1):c.6786_6787del (p.Gln2262fs)

Gene: FBN1 (fibrillin 1; minus strand). Cytogenetic location: 15q21.1.
Variant type: Deletion.
Coding change: c.6786_6787del on transcript NM_000138.5 (MANE Select); coding-DNA positions 6786 to 6787, 2 bases deleted (AA; older notation c.6786_6787delAA).
Protein change: p.Gln2262fs; shifts the reading frame from glutamine 2262.
Molecular consequence: frameshift variant.
Genome position (GRCh38, 1-based): chr15:48,430,755-48,430,756, TT deleted on the plus strand (AA on the coding strand, the reverse complement: FBN1 is on the minus strand); deleting any 2 consecutive bases within chr15:48,430,755-48,430,757 gives the same sequence; the c. name uses the placement nearest the transcript's 3' end. VCF-style (leftmost placement, unchanged base first): chr15-48430754-ATT-A. GRCh37 (hg19) VCF-style: chr15-48722951-ATT-A.
Other names: short protein forms Q2262fs.
Identifiers: ClinVar variation 549367 (VCV000549367.18), dbSNP rs1555394776, ClinGen allele CA658824927.

ClinVar aggregate classification (germline): Pathogenic. Review status: criteria provided, single submitter (1 of 4 stars). 2 submissions from 2 submitters: Pathogenic (1). 1 of the submissions does not count toward it. Last evaluated 2021-03-01.

Conditions:
Marfan syndrome (MFS). Also called: Marfan syndrome type 1; Marfan syndrome, classic; Marfan's syndrome; FBN1-Related Marfan Syndrome; MARFAN SYNDROME, TYPE I. Identifiers: Orphanet 284963, Orphanet 558, MedGen C0024796, MONDO:0007947, OMIM 154700.

Submissions (2):

Centre of Medical Genetics, University of Antwerp
Classification: Pathogenic for Marfan syndrome. Last evaluated: 2021-03-01. Review status: criteria provided, single submitter. Criteria: Submitter's publication. Collection method: research. Allele origin: unknown. Affected: yes.
Comment: PM2, PVS1, PP4

Center for Medical Genetics Ghent, University of Ghent
Classification: Likely pathogenic for Marfan syndrome. Last evaluated: 2017-11-07. Review status: no assertion criteria provided. Collection method: clinical testing. Allele origin: germline. Affected: yes. Not counted in ClinVar's aggregate classification.